The following is an entry in ClinVar:

ClinVar aggregate classification (germline): Benign. Review status: criteria provided, multiple submitters, no conflicts (2 of 4 stars). 4 submissions from 4 submitters: Benign (4). Last evaluated 2026-01-18.

Conditions:
Glycogen storage disease due to muscle and heart glycogen synthase deficiency. Also called: GSD 0b; MUSCLE GLYCOGEN SYNTHASE DEFICIENCY. Identifiers: Orphanet 137625, MedGen C1969054, MONDO:0012693, OMIM 611556.

Allele frequency attached by ClinVar (database versions not stated): ESP Exome Variant Server 0.00023; TOPMed 0.00048; gnomAD 0.00050 and 0.00100; gnomAD exomes 0.00101 and 0.00212; ExAC 0.00282; 1000 Genomes Project 30x 0.00515; 1000 Genomes Project 0.00539.
gnomAD v4.1: 1,611 of 1,598,558 alleles (0.1%); highest among the groups gnomAD compares: South Asian, 1.5%; 18 homozygotes.

Submissions (4):

Labcorp Genetics (formerly Invitae), Labcorp
Classification: Benign for Glycogen storage disease due to muscle and heart glycogen synthase deficiency. Last evaluated: 2026-01-18. Review status: criteria provided, single submitter. Criteria: Invitae Variant Classification Sherloc (09022015). Collection method: clinical testing. Allele origin: germline.

Illumina Laboratory Services, Illumina
Classification: Benign for Glycogen storage disease due to muscle and heart glycogen synthase deficiency. Last evaluated: 2018-01-12. Review status: criteria provided, single submitter. Criteria: ICSL Variant Classification Criteria 13 December 2019. Collection method: clinical testing. Allele origin: germline.
Comment: This variant was observed in the ICSL laboratory as part of a predisposition screen in an ostensibly healthy population. It had not been previously curated by ICSL or reported in the Human Gene Mutation Database (HGMD: prior to June 1st, 2018), and was therefore a candidate for classification through an automated scoring system. Utilizing variant allele frequency, disease prevalence and penetrance estimates, and inheritance mode, an automated score was calculated to assess if this variant is too frequent to cause the disease. Based on the score and internal cut-off values, a variant classified as benign is not then subjected to further curation. The score for this variant resulted in a classification of benign for this disease.

GeneDx
Classification: Benign. Last evaluated: 2016-12-21. Review status: criteria provided, single submitter. Criteria: GeneDx Variant Classification (06012015). Collection method: clinical testing. Allele origin: germline. Affected: yes.
Comment: This variant is considered likely benign or benign based on one or more of the following criteria: it is a conservative change, it occurs at a poorly conserved position in the protein, it is predicted to be benign by multiple in silico algorithms, and/or has population frequency not consistent with disease.

Eurofins Ntd Llc (ga)
Classification: Benign. Last evaluated: 2015-01-26. Review status: criteria provided, single submitter. Criteria: EGL Classification Definitions 2015. Collection method: clinical testing. Allele origin: germline. Observed: 1 variant allele, 1 heterozygote.

NM_002103.5(GYS1):c.492+9C>T

Gene: GYS1 (glycogen synthase 1; minus strand). Cytogenetic location: 19q13.33.
Variant type: single nucleotide variant.
Coding change: c.492+9C>T on transcript NM_002103.5 (MANE Select); 9 bases into the intron after coding-DNA position 492, C replaced by T.
Molecular consequence: intron variant.
Genome position (GRCh38, 1-based): chr19:48,987,185, G>A on the plus strand (C>T on the coding strand, the complement: GYS1 is on the minus strand). VCF-style: chr19-48987185-G-A. GRCh37 (hg19) VCF-style: chr19-49490442-G-A.
Other names: c.301-1150C>T (NM_001161587.2).
Identifiers: ClinVar variation 196338 (VCV000196338.19), dbSNP rs191213443, ClinGen allele CA202312.